The following is an entry in ClinVar:

ClinVar aggregate classification (germline): Benign. Review status: criteria provided, multiple submitters, no conflicts (2 of 4 stars). 3 submissions from 3 submitters: Benign (3). Last evaluated 2024-01-24.

Allele frequency attached by ClinVar (database versions not stated): TOPMed 0.59668; gnomAD 0.60135 and 0.60740; gnomAD exomes 0.60184; 1000 Genomes Project 30x 0.64491; 1000 Genomes Project 0.64816.

Submissions (3):

Unidad de Genómica Garrahan, Hospital de Pediatría Garrahan
Classification: Benign. Last evaluated: 2024-01-24. Review status: criteria provided, single submitter. Criteria: ACMG Guidelines, 2015. Collection method: clinical testing. Allele origin: germline. Affected: no. Observed: 21 variant alleles.
Comment: This variant is classified as Benign based on local population frequency. This variant was detected in 22% of patients studied by a panel of primary immunodeficiencies. Number of patients: 21. Only high quality variants are reported.

GeneDx
Classification: Benign. Last evaluated: 2018-11-12. Review status: criteria provided, single submitter. Criteria: GeneDx Variant Classification Process June 2021. Collection method: clinical testing. Allele origin: germline. Affected: yes.

Breakthrough Genomics
Classification: Benign. Review status: criteria provided, single submitter. Criteria: ACMG Guidelines, 2015. Collection method: not provided. Allele origin: germline. Inheritance: Multifactorial inheritance. Affected: yes.

NM_005018.3(PDCD1):c.628-110A>G

Gene: PDCD1 (programmed cell death 1; minus strand). Cytogenetic location: 2q37.3.
Variant type: single nucleotide variant.
Coding change: c.628-110A>G on transcript NM_005018.3 (MANE Select); 110 bases into the intron before coding-DNA position 628, A replaced by G.
Molecular consequence: intron variant.
Genome position (GRCh38, 1-based): chr2:241,851,407, T>C on the plus strand (A>G on the coding strand, the complement: PDCD1 is on the minus strand). VCF-style: chr2-241851407-T-C. GRCh37 (hg19) VCF-style: chr2-242793559-T-C.
Identifiers: ClinVar variation 1257448 (VCV001257448.5), dbSNP rs6705653, ClinGen allele CA11053509.